The following is an entry in ClinVar:

ClinVar aggregate classification (germline): Uncertain significance (1 of 4 stars; one submission).

Submission:

GeneDx
Classification: Uncertain significance. Last evaluated: 2023-11-25. Review status: criteria provided, single submitter. Criteria: GeneDx Variant Classification Process June 2021. Collection method: clinical testing. Allele origin: germline. Affected: yes.
Comment: Not observed at significant frequency in large population cohorts (gnomAD); In silico analysis supports that this missense variant has a deleterious effect on protein structure/function; Has not been previously published as pathogenic or benign to our knowledge; In silico analysis suggests this variant may impact gene splicing. In the absence of RNA/functional studies, the actual effect of this sequence change is unknown.

NM_001368397.1(FRMPD4):c.605T>G (p.Met202Arg)

Gene: FRMPD4 (FERM and PDZ domain containing 4; plus strand). Cytogenetic location: Xp22.2.
Variant type: single nucleotide variant.
Coding change: c.605T>G on transcript NM_001368397.1 (MANE Select); coding-DNA position 605, T replaced by G.
Protein change: p.Met202Arg; replaces methionine 202 with arginine.
Molecular consequence: missense variant.
Genome position (GRCh38, 1-based): chrX:12,686,128, T>G. VCF-style: chrX-12686128-T-G. GRCh37 (hg19) VCF-style: chrX-12704247-T-G.
Other names: c.716T>G, p.Met239Arg (NM_001368395.3, NM_001368398.3); c.611T>G, p.Met204Arg (NM_001368396.3); c.596T>G, p.Met199Arg (NM_001368399.3); c.485T>G, p.Met162Arg (NM_001368400.3); c.581T>G, p.Met194Arg (NM_001368401.1, NM_001368402.3); c.605T>G, p.Met202Arg (NM_014728.3); short protein forms M162R, M194R, M199R, M202R, M204R, M239R.
Identifiers: ClinVar variation 3364636 (VCV003364636.1).